The following is an entry in ClinVar:

ClinVar aggregate classification (germline): Uncertain significance. Review status: criteria provided, multiple submitters, no conflicts (2 of 4 stars). 2 submissions from 2 submitters: Uncertain significance (2). Last evaluated 2024-05-24.

Conditions:
Ehlers-Danlos syndrome, type 4 (EDSVASC). Also called: Ehlers-Danlos syndrome vascular type; Ehlers Danlos syndrome, ecchymotic type; Ehlers Danlos syndrome, arterial type; Ehlers Danlos syndrome, Sack-Barabas type; Ehlers-Danlos Syndrome Type IV. Identifiers: Orphanet 286, MedGen C0268338, MONDO:0017314, OMIM 130050.
Familial thoracic aortic aneurysm and aortic dissection (TAAD). Also called: Thoracic aortic aneurysms and dissections. Identifiers: Orphanet 91387, MedGen C4707243, MONDO:0019625.

Allele frequency attached by ClinVar (database versions not stated): gnomAD exomes below 0.00001 and 0.00001; ExAC 0.00001; TOPMed 0.00001.
gnomAD v4.1: 3 of 1,613,290 alleles (0.00019%); highest among the groups gnomAD compares: East Asian, 0.0067%; no homozygotes.

Submissions (2):

Labcorp Genetics (formerly Invitae), Labcorp
Classification: Uncertain significance for Ehlers-Danlos syndrome, type 4. Last evaluated: 2024-05-24. Review status: criteria provided, single submitter. Criteria: Invitae Variant Classification Sherloc (09022015). Collection method: clinical testing. Allele origin: germline.
Comment: This sequence change replaces asparagine, which is neutral and polar, with lysine, which is basic and polar, at codon 272 of the COL3A1 protein (p.Asn272Lys). This variant is present in population databases (rs776111781, gnomAD 0.02%). This missense change has been observed in individual(s) with clinical features of autosomal dominant COL3A1-related conditions (Invitae). ClinVar contains an entry for this variant (Variation ID: 1172289). Advanced modeling of protein sequence and biophysical properties (such as structural, functional, and spatial information, amino acid conservation, physicochemical variation, residue mobility, and thermodynamic stability) performed at Invitae indicates that this missense variant is not expected to disrupt COL3A1 protein function with a negative predictive value of 95%. In summary, the available evidence is currently insufficient to determine the role of this variant in disease. Therefore, it has been classified as a Variant of Uncertain Significance.

Color Diagnostics, LLC DBA Color Health
Classification: Uncertain significance for Familial thoracic aortic aneurysm and aortic dissection. Last evaluated: 2024-03-07. Review status: criteria provided, single submitter. Criteria: ACMG Guidelines, 2015. Collection method: clinical testing. Allele origin: germline.
Comment: This missense variant replaces asparagine with lysine at codon 272 of the COL3A1 protein. Computational prediction suggests that this variant may not impact protein structure and function (internally defined REVEL score threshold <= 0.5, PMID: 27666373). To our knowledge, functional studies have not been reported for this variant. This variant has not been reported in individuals affected with cardiovascular disorders in the literature. This variant has been identified in 3/251168 chromosomes in the general population by the Genome Aggregation Database (gnomAD). The available evidence is insufficient to determine the role of this variant in disease conclusively. Therefore, this variant is classified as a Variant of Uncertain Significance.

NM_000090.4(COL3A1):c.816T>G (p.Asn272Lys)

Gene: COL3A1 (collagen type III alpha 1 chain; plus strand). Cytogenetic location: 2q32.2.
Variant type: single nucleotide variant.
Coding change: c.816T>G on transcript NM_000090.4 (MANE Select); coding-DNA position 816, T replaced by G.
Protein change: p.Asn272Lys; replaces asparagine 272 with lysine.
Molecular consequence: missense variant.
Genome position (GRCh38, 1-based): chr2:188,991,021, T>G. VCF-style: chr2-188991021-T-G. GRCh37 (hg19) VCF-style: chr2-189855747-T-G.
Other names: short protein forms N272K.
Identifiers: ClinVar variation 1172289 (VCV001172289.4), dbSNP rs776111781, ClinGen allele CA076968.